The following is an entry in ClinVar:

NM_004006.3(DMD):c.9108G>A (p.Arg3036=)

Gene: DMD (dystrophin; minus strand). Cytogenetic location: Xp21.2.
Variant type: single nucleotide variant.
Coding change: c.9108G>A on transcript NM_004006.3 (MANE Select); coding-DNA position 9108, G replaced by A.
Protein change: p.Arg3036=; no amino-acid change (arginine 3036 retained).
Molecular consequence: synonymous variant.
Genome position (GRCh38, 1-based): chrX:31,348,611, C>T on the plus strand (G>A on the coding strand, the complement: DMD is on the minus strand). VCF-style: chrX-31348611-C-T. GRCh37 (hg19) VCF-style: chrX-31366728-C-T.
Other names: c.9084G>A, p.Arg3028= (NM_000109.4); c.9096G>A, p.Arg3032= (NM_004009.3); c.8739G>A, p.Arg2913= (NM_004010.3); c.5085G>A, p.Arg1695= (NM_004011.4); c.5076G>A, p.Arg1692= (NM_004012.4); c.1728G>A, p.Arg576= (NM_004013.3, NM_004020.4, NM_004021.3 and 2 more transcripts); c.921G>A, p.Arg307= (NM_004014.3).
Identifiers: ClinVar variation 1120659 (VCV001120659.36), dbSNP rs1276369095, ClinGen allele CA515857803.
Genomic context (GRCh38, chrX:31,348,611, plus strand): 5'-CTTACTGGAAAGAAAGTGCTGAGATGCTGGACCAAAGTCCCTGTGGGCTTCATGCAGCTG[C>T]CTGACTCGGTCCTCGACGGCCACCTGGGAGGAAAAGGAGAGAAATGATGTTCTCTCATTC-3'
Protein context (NP_003997.2, residues 3026-3046): LLQVAVEDRV[Arg3036=]QLHEAHRDFG

ClinVar aggregate classification (germline): Likely benign. Review status: criteria provided, multiple submitters, no conflicts (2 of 4 stars). 4 submissions from 4 submitters: Likely benign (4). Last evaluated 2026-01-14.

Conditions:
Cardiovascular phenotype. Identifiers: MedGen CN230736.
Duchenne muscular dystrophy (DMD). Also called: MUSCULAR DYSTROPHY, PSEUDOHYPERTROPHIC PROGRESSIVE, DUCHENNE TYPE; Duchenne Muscular Dystrophy (DMD). Identifiers: Orphanet 98896, MedGen C0013264, MONDO:0010679, OMIM 310200.

Allele frequency attached by ClinVar (database versions not stated): gnomAD exomes 0.00001; TOPMed 0.00002; gnomAD 0.00003.
gnomAD v4.1: 11 of 1,209,087 alleles (0.00091%); highest among the groups gnomAD compares: Non-Finnish European, 0.0012%; no homozygotes.

Submissions (4):

Labcorp Genetics (formerly Invitae), Labcorp
Classification: Likely benign for Duchenne muscular dystrophy. Last evaluated: 2026-01-14. Review status: criteria provided, single submitter. Criteria: Invitae Variant Classification Sherloc (09022015). Collection method: clinical testing. Allele origin: germline.

Blueprint Genetics
Classification: Likely benign. Last evaluated: 2023-11-21. Review status: criteria provided, single submitter. Criteria: ACMG Guidelines, 2015. Collection method: clinical testing. Allele origin: germline.

CeGaT Center for Human Genetics Tuebingen
Classification: Likely benign. Last evaluated: 2022-11-01. Review status: criteria provided, single submitter. Criteria: CeGaT Center For Human Genetics Tuebingen Variant Classification Criteria Version 2. Collection method: clinical testing. Allele origin: germline. Affected: yes. Observed: 2 variant alleles.
Comment: DMD: BP4, BP7

Ambry Genetics
Classification: Likely benign for Cardiovascular phenotype. Last evaluated: 2021-12-16. Review status: criteria provided, single submitter. Criteria: Ambry Variant Classification Scheme 2023. Collection method: clinical testing. Allele origin: germline.